The following is an entry in ClinVar:

ClinVar aggregate classification (germline): Benign/Likely benign. Review status: criteria provided, multiple submitters, no conflicts (2 of 4 stars). 3 submissions from 3 submitters: Benign (1); Likely benign (2). Last evaluated 2025-02-03.

Conditions:
Hereditary nonpolyposis colorectal neoplasms. Identifiers: MedGen C0009405, MeSH D003123.
Hereditary cancer-predisposing syndrome. Also called: Neoplastic Syndromes, Hereditary; Hereditary Cancer Syndrome; Tumor predisposition; Hereditary neoplastic syndrome. Identifiers: Orphanet 140162, MedGen C0027672, MeSH D009386, MONDO:0015356.
Lynch syndrome 4 (LYNCH4). Also called: Colorectal cancer, hereditary nonpolyposis, type 4; Hereditary non-polyposis colorectal cancer, type 4. Identifiers: Orphanet 144, MedGen C1838333, MONDO:0013699, OMIM 614337. Disease mechanism: loss of function.

Allele frequency attached by ClinVar (database versions not stated): gnomAD exomes below 0.00001; ExAC 0.00001; gnomAD 0.00001; TOPMed 0.00001.

Submissions (3):

Myriad Genetics, Inc.
Classification: Benign for Lynch syndrome 4. Last evaluated: 2025-02-03. Review status: criteria provided, single submitter. Criteria: Myriad Autosomal Dominant, Autosomal Recessive and X-Linked Classification Criteria (2023). Collection method: clinical testing. Allele origin: unknown.
Comment: This variant is considered benign. This variant is a silent/synonymous amino acid change and it is not expected to impact splicing.

Ambry Genetics
Classification: Likely benign for Hereditary cancer-predisposing syndrome. Last evaluated: 2024-05-05. Review status: criteria provided, single submitter. Criteria: Ambry Variant Classification Scheme 2023. Collection method: clinical testing. Allele origin: germline.

Labcorp Genetics (formerly Invitae), Labcorp
Classification: Likely benign for Hereditary nonpolyposis colorectal neoplasms. Last evaluated: 2024-02-02. Review status: criteria provided, single submitter. Criteria: Invitae Variant Classification Sherloc (09022015). Collection method: clinical testing. Allele origin: germline.

NM_000535.7(PMS2):c.2229G>A (p.Leu743=)

Gene: PMS2 (PMS1 homolog 2, mismatch repair system component; minus strand). Cytogenetic location: 7p22.1.
Variant type: single nucleotide variant.
Coding change: c.2229G>A on transcript NM_000535.7 (MANE Select); coding-DNA position 2229, G replaced by A.
Protein change: p.Leu743=; no amino-acid change (leucine 743 retained).
Molecular consequence: synonymous variant. On other transcripts: non-coding transcript variant (1).
Genome position (GRCh38, 1-based): chr7:5,978,642, C>T on the plus strand (G>A on the coding strand, the complement: PMS2 is on the minus strand). VCF-style: chr7-5978642-C-T. GRCh37 (hg19) VCF-style: chr7-6018273-C-T.
Other names: c.1824G>A, p.Leu608= (NM_001322003.2, NM_001322004.2, NM_001322005.2 and 1 more transcripts); c.2073G>A, p.Leu691= (NM_001322006.2); c.1911G>A, p.Leu637= (NM_001322007.2, NM_001322008.2); c.1668G>A, p.Leu556= (NM_001322010.2); c.1296G>A, p.Leu432= (NM_001322011.2, NM_001322012.2); c.1656G>A, p.Leu552= (NM_001322013.2); c.2229G>A, p.Leu743= (NM_001322014.2); c.1920G>A, p.Leu640= (NM_001322015.2).
Identifiers: ClinVar variation 779091 (VCV000779091.12), dbSNP rs754876436, ClinGen allele CA047114.